The following is an entry in ClinVar:

NM_002875.5(RAD51):c.165G>A (p.Ala55=)

Gene: RAD51 (RAD51 recombinase; plus strand). Cytogenetic location: 15q15.1.
Variant type: single nucleotide variant.
Coding change: c.165G>A on transcript NM_002875.5 (MANE Select); coding-DNA position 165, G replaced by A.
Protein change: p.Ala55=; no amino-acid change (alanine 55 retained).
Molecular consequence: synonymous variant.
Genome position (GRCh38, 1-based): chr15:40,701,141, G>A. VCF-style: chr15-40701141-G-A. GRCh37 (hg19) VCF-style: chr15-40993339-G-A.
Other names: c.165G>A, p.Ala55= (NM_001164269.2, NM_001164270.2, NM_133487.4); c.165G>A (NM_001164269.1).
Identifiers: ClinVar variation 1777453 (VCV001777453.4), dbSNP rs763034071, ClinGen allele CA7483930.

ClinVar aggregate classification (germline): Likely benign. Review status: criteria provided, single submitter (1 of 4 stars). 2 submissions from 2 submitters: Likely benign (1). 1 of the submissions does not count toward it. Last evaluated 2022-07-30.

Conditions:
Inborn genetic diseases. Identifiers: MedGen C0950123, MeSH D030342.
RAD51-related disorder. Also called: RAD51-related disorders; RAD51-related condition.

Allele frequency attached by ClinVar (database versions not stated): ExAC 0.00009.
gnomAD v4.1: 75 of 1,614,046 alleles (0.0046%); highest among the groups gnomAD compares: South Asian, 0.054%; 2 homozygotes.

Submissions (2):

Ambry Genetics
Classification: Likely benign for Inborn genetic diseases. Last evaluated: 2022-07-30. Review status: criteria provided, single submitter. Criteria: Ambry Variant Classification Scheme 2023. Collection method: clinical testing. Allele origin: germline.

PreventionGenetics, part of Exact Sciences
Classification: Likely benign for RAD51-related condition. Last evaluated: 2019-04-25. Review status: no assertion criteria provided. Collection method: clinical testing. Allele origin: germline. Not counted in ClinVar's aggregate classification.
Comment: This variant is classified as likely benign based on ACMG/AMP sequence variant interpretation guidelines (Richards et al. 2015 PMID: 25741868, with internal and published modifications).